The following is an entry in ClinVar:

NM_013275.6(ANKRD11):c.601+1G>A

Gene: ANKRD11 (ankyrin repeat domain 11; minus strand). Cytogenetic location: 16q24.3.
Variant type: single nucleotide variant.
Coding change: c.601+1G>A on transcript NM_013275.6 (MANE Select); the canonical splice donor site of the intron after coding-DNA position 601, G replaced by A.
Molecular consequence: splice donor variant.
Genome position (GRCh38, 1-based): chr16:89,290,624, C>T on the plus strand (G>A on the coding strand, the complement: ANKRD11 is on the minus strand). VCF-style: chr16-89290624-C-T. GRCh37 (hg19) VCF-style: chr16-89357032-C-T.
Other names: c.601+1G>A (NM_001256183.2, NM_001256182.2).
Identifiers: ClinVar variation 5018531 (VCV005018531.1).

ClinVar aggregate classification (germline): Uncertain significance (1 of 4 stars; one submission).

Conditions:
KBG syndrome (KBGS). Also called: ANKRD11-Related KBG Syndrome. Identifiers: Orphanet 2332, MedGen C0220687, MONDO:0007846, OMIM 148050.

Submission:

Juno Genomics, Hangzhou Juno Genomics, Inc
Classification: Uncertain significance for KBG syndrome. Review status: criteria provided, single submitter. Criteria: ACMG Guidelines, 2015. Collection method: clinical testing. Allele origin: germline. Affected: yes.
Comment: Absent from controls (or at extremely low frequency if recessive) in Genome Aggregation Database.;De novo (both maternity and paternity confirmed) in a patient with the disease and no family history.;Null variant in a gene where loss of function (LOF) is a known mechanism of disease.